The following is an entry in ClinVar:

ClinVar aggregate classification (germline): Uncertain significance (1 of 4 stars; one submission).

Submission:

Labcorp Genetics (formerly Invitae), Labcorp
Classification: Uncertain significance. Last evaluated: 2025-04-27. Review status: criteria provided, single submitter. Criteria: Invitae Variant Classification Sherloc (09022015). Collection method: clinical testing. Allele origin: germline.
Comment: This variant, c.897_899del, results in the deletion of 1 amino acid(s) of the CARD8 protein (p.Asp299del), but otherwise preserves the integrity of the reading frame. This variant is present in population databases (rs775658778, gnomAD 0.002%). This variant has not been reported in the literature in individuals affected with CARD8-related conditions. Experimental studies and prediction algorithms are not available or were not evaluated, and the functional significance of this variant is currently unknown. In summary, the available evidence is currently insufficient to determine the role of this variant in disease. Therefore, it has been classified as a Variant of Uncertain Significance.

NM_001184900.3(CARD8):c.1044TGA[1] (p.Asp349del)

Gene: CARD8 (caspase recruitment domain family member 8; minus strand). Cytogenetic location: 19q13.33.
Variant type: Microsatellite.
Coding change: c.1044TGA[1] on transcript NM_001184900.3 (MANE Select); one copy of the 3-base unit TGA starting at c.1044; the reference has two copies in a row; one copy, 3 bases deleted.
Protein change: p.Asp349del; deletes aspartic acid 349.
Molecular consequence: inframe deletion. On other transcripts: non-coding transcript variant (3).
Genome position (GRCh38, 1-based): chr19:48,221,842-48,221,844, TCA deleted on the plus strand (TGA on the coding strand, the reverse complement: CARD8 is on the minus strand); deleting any 3 consecutive bases within chr19:48,221,842-48,221,849 gives the same sequence; the position shown is the placement nearest the transcript's 3' end. VCF-style (leftmost placement, unchanged base first): chr19-48221841-CTCA-C. GRCh37 (hg19) VCF-style: chr19-48725098-CTCA-C.
Other names: c.894TGA[1], p.Asp299del (NM_001184901.1, NM_001351783.2, NM_001351788.2 and 2 more transcripts); c.1044TGA[1], p.Asp349del (NM_001184902.2, NM_001184903.1, NM_001351782.2); c.729TGA[1], p.Asp244del (NM_001351784.2, NM_001351787.2, NM_001351791.2 and 1 more transcripts); c.708TGA[1], p.Asp237del (NM_001351786.2); c.801TGA[1], p.Asp268del (NM_001351790.2); c.726TGA[1], p.Asp243del (NM_001365950.1); short protein forms D268del, D349del, D243del, D299del, D237del, D244del.
Identifiers: ClinVar variation 4700416 (VCV004700416.1).
Genomic context (GRCh38, chr19:48,221,841, plus strand): 5'-AAAGTTCAGGGGTTCCATTGGGGGCGAAGTCTGCAGGCGCACACCATGGAAGCGATCTTC[CTCA>C]TCATCTATCGCCTAAGGAAGAAGGGGCAGAAACATTAGAGAGCACAAAAAATAGTAAAGC-3'